The following is an entry in ClinVar:

NM_033118.4(MYLK2):c.473+11C>T

Gene: MYLK2 (myosin light chain kinase 2; plus strand). Cytogenetic location: 20q11.21.
Variant type: single nucleotide variant.
Coding change: c.473+11C>T on transcript NM_033118.4 (MANE Select); 11 bases into the intron after coding-DNA position 473, C replaced by T.
Molecular consequence: intron variant.
Genome position (GRCh38, 1-based): chr20:31,820,557, C>T. VCF-style: chr20-31820557-C-T. GRCh37 (hg19) VCF-style: chr20-30408360-C-T.
Identifiers: ClinVar variation 516362 (VCV000516362.8), dbSNP rs373880854, ClinGen allele CA9802926.

ClinVar aggregate classification (germline): Likely benign. Review status: criteria provided, multiple submitters, no conflicts (2 of 4 stars). 2 submissions from 2 submitters: Likely benign (2). Last evaluated 2025-12-17.

Conditions:
Hypertrophic cardiomyopathy 1 (CMH1). Also called: MYH7-Related Familial Hypertrophic Cardiomyopathy; Familial hypertrophic cardiomyopathy 1. Identifiers: MedGen C3495498, MONDO:0008647, OMIM 192600.

Allele frequency attached by ClinVar (database versions not stated): gnomAD exomes 0.00001 and 0.00005; ExAC 0.00007; TOPMed 0.00023; gnomAD 0.00027 and 0.00028.
gnomAD v4.1: 72 of 1,599,336 alleles (0.0045%); highest among the groups gnomAD compares: African/African-American, 0.076%; no homozygotes.

Submissions (2):

Labcorp Genetics (formerly Invitae), Labcorp
Classification: Likely benign for Hypertrophic cardiomyopathy 1. Last evaluated: 2025-12-17. Review status: criteria provided, single submitter. Criteria: Invitae Variant Classification Sherloc (09022015). Collection method: clinical testing. Allele origin: germline.

GeneDx
Classification: Likely benign. Last evaluated: 2017-06-29. Review status: criteria provided, single submitter. Criteria: GeneDx Variant Classification (06012015). Collection method: clinical testing. Allele origin: germline. Affected: yes.
Comment: This variant is considered likely benign or benign based on one or more of the following criteria: it is a conservative change, it occurs at a poorly conserved position in the protein, it is predicted to be benign by multiple in silico algorithms, and/or has population frequency not consistent with disease.